The following is an entry in ClinVar:

NM_001374828.1(ARID1B):c.918C>A (p.Gly306=)

Genes: ARID1B (AT-rich interaction domain 1B; plus strand), LOC129997525 (ATAC-STARR-seq lymphoblastoid silent region 17712; plus strand). Cytogenetic location: 6q25.3.
Variant type: single nucleotide variant.
Coding change: c.918C>A on transcript NM_001374828.1 (MANE Select); coding-DNA position 918, C replaced by A.
Protein change: p.Gly306=; no amino-acid change (glycine 306 retained).
Molecular consequence: synonymous variant.
Genome position (GRCh38, 1-based): chr6:156,778,598, C>A. VCF-style: chr6-156778598-C-A. GRCh37 (hg19) VCF-style: chr6-157099732-C-A.
Other names: c.669C>A, p.Gly223= (NM_001346813.1, NM_020732.3); c.918C>A, p.Gly306= (NM_001371656.1, NM_001374820.1, NM_017519.3); c.495C>A, p.Gly165= (NM_175863.2).
Identifiers: ClinVar variation 3045815 (VCV003045815.2), dbSNP rs2114979765, ClinGen allele CA452989217.
Genomic context (GRCh38, chr6:156,778,598, plus strand): 5'-GGGCTTGGGCGCCCTGGGCACGCAGCAGCCGCCGGTCGCCGTGCCCGGGGGCGGCGGCGG[C>A]CCGGCGGCCGTCCCGGAGTTTAATAATTACTATGGCAGCGCTGCCCCTGCGAGCGGCGGC-3'
Protein context (NP_001361757.1, residues 296-316): PPVAVPGGGG[Gly306=]PAAVPEFNNY

ClinVar aggregate classification (germline): Likely benign (0 of 4 stars; one submission).

Conditions:
ARID1B-Related Disorder. Identifiers: MedGen CN381337.

gnomAD v4.1: 1 of 1,296,500 alleles (0.000077%); highest among the groups gnomAD compares: East Asian, 0.0032%; no homozygotes.

Submission:

PreventionGenetics, part of Exact Sciences
Classification: Likely benign for ARID1B-related condition. Last evaluated: 2022-06-21. Review status: no assertion criteria provided. Collection method: clinical testing. Allele origin: germline.
Comment: This variant is classified as likely benign based on ACMG/AMP sequence variant interpretation guidelines (Richards et al. 2015 PMID: 25741868, with internal and published modifications).